The following is an entry in ClinVar:

ClinVar aggregate classification (germline): Uncertain significance (1 of 4 stars; one submission).

Conditions:
Parathyroid carcinoma (PRTC). Also called: CDC73-Related Parathyroid Carcinoma; Parathyroid gland carcinoma. Identifiers: Orphanet 143, MedGen C0687150, MONDO:0012004, OMIM 608266, HP:0006780.

Submission:

Labcorp Genetics (formerly Invitae), Labcorp
Classification: Uncertain significance for Parathyroid carcinoma. Last evaluated: 2024-12-19. Review status: criteria provided, single submitter. Criteria: Invitae Variant Classification Sherloc (09022015). Collection method: clinical testing. Allele origin: germline.
Comment: This sequence change replaces threonine, which is neutral and polar, with serine, which is neutral and polar, at codon 235 of the CDC73 protein (p.Thr235Ser). This variant is not present in population databases (gnomAD no frequency). This variant has not been reported in the literature in individuals affected with CDC73-related conditions. Invitae Evidence Modeling of protein sequence and biophysical properties (such as structural, functional, and spatial information, amino acid conservation, physicochemical variation, residue mobility, and thermodynamic stability) indicates that this missense variant is not expected to disrupt CDC73 protein function with a negative predictive value of 80%. In summary, the available evidence is currently insufficient to determine the role of this variant in disease. Therefore, it has been classified as a Variant of Uncertain Significance.

NM_024529.5(CDC73):c.703A>T (p.Thr235Ser)

Gene: CDC73 (cell division cycle 73; plus strand). Cytogenetic location: 1q31.2.
Variant type: single nucleotide variant.
Coding change: c.703A>T on transcript NM_024529.5 (MANE Select); coding-DNA position 703, A replaced by T.
Protein change: p.Thr235Ser; replaces threonine 235 with serine.
Molecular consequence: missense variant.
Genome position (GRCh38, 1-based): chr1:193,142,040, A>T. VCF-style: chr1-193142040-A-T. GRCh37 (hg19) VCF-style: chr1-193111170-A-T.
Other names: short protein forms T235S.
Identifiers: ClinVar variation 3666835 (VCV003666835.2).